The following is an entry in ClinVar:

ClinVar aggregate classification (germline): Uncertain significance (1 of 4 stars; one submission).

Submission:

GeneDx
Classification: Uncertain significance. Last evaluated: 2023-05-26. Review status: criteria provided, single submitter. Criteria: GeneDx Variant Classification Process June 2021. Collection method: clinical testing. Allele origin: germline. Affected: yes.
Comment: Not observed at significant frequency in large population cohorts (gnomAD); In silico analysis supports that this missense variant does not alter protein structure/function; Has not been previously published as pathogenic or benign to our knowledge

NM_032229.3(SLITRK6):c.980C>G (p.Pro327Arg)

Gene: SLITRK6 (SLIT and NTRK like family member 6; minus strand). Cytogenetic location: 13q31.1.
Variant type: single nucleotide variant.
Coding change: c.980C>G on transcript NM_032229.3 (MANE Select); coding-DNA position 980, C replaced by G.
Protein change: p.Pro327Arg; replaces proline 327 with arginine.
Molecular consequence: missense variant.
Genome position (GRCh38, 1-based): chr13:85,795,529, G>C on the plus strand (C>G on the coding strand, the complement: SLITRK6 is on the minus strand). VCF-style: chr13-85795529-G-C. GRCh37 (hg19) VCF-style: chr13-86369664-G-C.
Other names: short protein forms P327R.
Identifiers: ClinVar variation 3362015 (VCV003362015.1).